The following is an entry in ClinVar:

NM_003118.4(SPARC):c.373_383del (p.Phe125fs)

Gene: SPARC (secreted protein acidic and cysteine rich; minus strand). Cytogenetic location: 5q33.1.
Variant type: Deletion.
Coding change: c.373_383del on transcript NM_003118.4 (MANE Select); coding-DNA positions 373 to 383, 11 bases deleted (TTCTTTGCCAC).
Protein change: p.Phe125fs; shifts the reading frame from phenylalanine 125.
Molecular consequence: frameshift variant.
Genome position (GRCh38, 1-based): chr5:151,669,732-151,669,742, GTGGCAAAGAA deleted on the plus strand (TTCTTTGCCAC on the coding strand, the reverse complement: SPARC is on the minus strand); deleting any 11 consecutive bases within chr5:151,669,732-151,669,748 gives the same sequence; the c. name uses the placement nearest the transcript's 3' end. VCF-style (leftmost placement, unchanged base first): chr5-151669731-TGTGGCAAAGAA-T. GRCh37 (hg19) VCF-style: chr5-151049292-TGTGGCAAAGAA-T.
Other names: c.370_380del, p.Phe124fs (NM_001309443.2); c.373_383del, p.Phe125fs (NM_001309444.2); short protein forms F124fs, F125fs.
Identifiers: ClinVar variation 3447805 (VCV003447805.1).

ClinVar aggregate classification (germline): Pathogenic (1 of 4 stars; one submission).

Conditions:
Inborn genetic diseases. Identifiers: MedGen C0950123, MeSH D030342.

Submission:

Ambry Genetics
Classification: Pathogenic for Inborn genetic diseases. Last evaluated: 2024-07-09. Review status: criteria provided, single submitter. Criteria: Ambry Variant Classification Scheme 2023. Collection method: clinical testing. Allele origin: germline.
Comment: The c.373_383del11 (p.F125Kfs*31) alteration, located in exon 6 (coding exon 5) of the SPARC gene, consists of a deletion of 11 nucleotides from position 373 to 383, causing a translational frameshift with a predicted alternate stop codon after 31 amino acids. This alteration is expected to result in loss of function by premature protein truncation or nonsense-mediated mRNA decay. This variant was not reported in population-based cohorts in the Genome Aggregation Database (gnomAD). Based on the available evidence, this alteration is classified as pathogenic.